The following is an entry in ClinVar:

NM_001257967.3(ITPRID1):c.419G>A (p.Trp140Ter)

Gene: ITPRID1 (ITPR interacting domain containing 1; plus strand). Cytogenetic location: 7p14.3.
Variant type: single nucleotide variant.
Coding change: c.419G>A on transcript NM_001257967.3 (MANE Select); coding-DNA position 419, G replaced by A.
Protein change: p.Trp140Ter; replaces tryptophan 140 with a stop codon.
Molecular consequence: nonsense. On other transcripts: non-coding transcript variant (1).
Genome position (GRCh38, 1-based): chr7:31,574,563, G>A. VCF-style: chr7-31574563-G-A. GRCh37 (hg19) VCF-style: chr7-31614177-G-A.
Other names: c.419G>A, p.Trp140Ter (NM_001257968.3, NM_194300.5); short protein forms W140*.
Identifiers: ClinVar variation 92037 (VCV000092037.2), dbSNP rs386352287, ClinGen allele CA232399.

ClinVar aggregate classification (germline): Uncertain significance (0 of 4 stars; one submission).

Submission:

Richard Lifton Laboratory, Yale University School of Medicine
Classification: Uncertain significance. Review status: no assertion criteria provided. Collection method: not provided. Allele origin: somatic.
Comment: CCDC129
ClinVar note: Converted during submission from unknown to Uncertain significance.